The following is an entry in ClinVar:

NM_000059.4(BRCA2):c.10072G>A (p.Gly3358Arg)

Gene: BRCA2 (BRCA2 DNA repair associated; plus strand). Cytogenetic location: 13q13.1.
Variant type: single nucleotide variant.
Coding change: c.10072G>A on transcript NM_000059.4 (MANE Select); coding-DNA position 10072, G replaced by A.
Protein change: p.Gly3358Arg; replaces glycine 3358 with arginine.
Molecular consequence: missense variant.
Genome position (GRCh38, 1-based): chr13:32,398,585, G>A. VCF-style: chr13-32398585-G-A. GRCh37 (hg19) VCF-style: chr13-32972722-G-A.
Other names: short protein forms G3358R.
Identifiers: ClinVar variation 821996 (VCV000821996.9), dbSNP rs1593202253, ClinGen allele CA387767898.
Genomic context (GRCh38, chr13:32,398,585, plus strand): 5'-TCAATAGCTGACGAAGAACTTGCATTGATAAATACCCAAGCTCTTTTGTCTGGTTCAACA[G>A]GAGAAAAACAATTTATATCTGTCAGTGAATCCACTAGGACTGCTCCCACCAGTTCAGAAG-3'
Protein context (NP_000050.3, residues 3348-3368): NTQALLSGST[Gly3358Arg]EKQFISVSES

ClinVar aggregate classification (germline): Conflicting classifications of pathogenicity. Review status: criteria provided, conflicting classifications (1 of 4 stars). 3 submissions from 3 submitters: Uncertain significance (2); Likely benign (1). Last evaluated 2024-06-07.

Conditions:
Hereditary cancer-predisposing syndrome. Also called: Tumor predisposition; Hereditary Cancer Syndrome; Neoplastic Syndromes, Hereditary; Hereditary neoplastic syndrome. Identifiers: Orphanet 140162, MedGen C0027672, MeSH D009386, MONDO:0015356.
Hereditary breast ovarian cancer syndrome. Also called: Hereditary breast and ovarian cancer; Breast and ovarian cancer; Hereditary breast and/or ovarian cancer syndrome; Hereditary breast and ovarian cancer syndrome; BRCA1- and BRCA2-Associated Hereditary Breast and Ovarian Cancer; Hereditary breast and ovarian cancer syndrome (HBOC). Identifiers: Orphanet 145, MedGen C0677776, MeSH D061325, MONDO:0003582. Disease mechanism: loss of function.
Familial cancer of breast. Also called: BREAST CANCER, FAMILIAL; Hereditary breast cancer; hereditary breast carcinoma. Identifiers: Orphanet 227535, MedGen C0346153, MONDO:0016419, OMIM 114480. Disease mechanism: loss of function.

Submissions (3):

Ambry Genetics
Classification: Uncertain significance for Hereditary cancer-predisposing syndrome. Last evaluated: 2024-06-07. Review status: criteria provided, single submitter. Criteria: Ambry Variant Classification Scheme 2023. Collection method: clinical testing. Allele origin: germline.
Comment: The p.G3358R variant (also known as c.10072G>A), located in coding exon 26 of the BRCA2 gene, results from a G to A substitution at nucleotide position 10072. The glycine at codon 3358 is replaced by arginine, an amino acid with dissimilar properties. This amino acid position is not well conserved in available vertebrate species. In addition, this alteration is predicted to be tolerated by in silico analysis. Since supporting evidence is limited at this time, the clinical significance of this alteration remains unclear.

MGZ Medical Genetics Center
Classification: Likely benign for Familial cancer of breast. Last evaluated: 2024-02-09. Review status: criteria provided, single submitter. Criteria: CSpec BRCA1/2ACMG Rules Specifications V1.1.0. Collection method: clinical testing. Allele origin: germline. Affected: yes.
Comment: ACMG codes applied following ENIGMA VCEP rules: BP1_STR, PM2_SUP

Labcorp Genetics (formerly Invitae), Labcorp
Classification: Uncertain significance for Hereditary breast ovarian cancer syndrome. Last evaluated: 2022-11-18. Review status: criteria provided, single submitter. Criteria: Invitae Variant Classification Sherloc (09022015). Collection method: clinical testing. Allele origin: germline.
Comment: ClinVar contains an entry for this variant (Variation ID: 821996). This variant has not been reported in the literature in individuals affected with BRCA2-related conditions. This variant is not present in population databases (gnomAD no frequency). This sequence change replaces glycine, which is neutral and non-polar, with arginine, which is basic and polar, at codon 3358 of the BRCA2 protein (p.Gly3358Arg). Advanced modeling of protein sequence and biophysical properties (such as structural, functional, and spatial information, amino acid conservation, physicochemical variation, residue mobility, and thermodynamic stability) performed at Invitae indicates that this missense variant is not expected to disrupt BRCA2 protein function. In summary, the available evidence is currently insufficient to determine the role of this variant in disease. Therefore, it has been classified as a Variant of Uncertain Significance.